The following is an entry in ClinVar:

ClinVar aggregate classification (germline): Likely pathogenic (1 of 4 stars; one submission).

Conditions:
Heyn-Sproul-Jackson syndrome. Also called: MICROCEPHALY, SHORT STATURE, AND IMPAIRED INTELLECTUAL DEVELOPMENT. Identifiers: Orphanet 658595, MedGen C5231475, MONDO:0032882, OMIM 618724.

Submission:

MVZ Medizinische Genetik Mainz
Classification: Likely pathogenic for Heyn-Sproul-Jackson syndrome. Last evaluated: 2023-11-28. Review status: criteria provided, single submitter. Criteria: UK Practice Guidelines For Variant Classification V4 01 2020. Collection method: clinical testing. Allele origin: germline. Inheritance: Autosomal dominant inheritance. Affected: yes. Observed: 1 variant allele.
Comment: ACMG Criteria: PP3_STR,PM2_SUP

NM_022552.5(DNMT3A):c.916T>C (p.Trp306Arg)

Gene: DNMT3A (DNA methyltransferase 3 alpha; minus strand). Cytogenetic location: 2p23.3.
Variant type: single nucleotide variant.
Coding change: c.916T>C on transcript NM_022552.5 (MANE Select); coding-DNA position 916, T replaced by C.
Protein change: p.Trp306Arg; replaces tryptophan 306 with arginine.
Molecular consequence: missense variant. On other transcripts: non-coding transcript variant (1).
Genome position (GRCh38, 1-based): chr2:25,247,689, A>G on the plus strand (T>C on the coding strand, the complement: DNMT3A is on the minus strand). VCF-style: chr2-25247689-A-G. GRCh37 (hg19) VCF-style: chr2-25470558-A-G.
Other names: c.460T>C, p.Trp154Arg (NM_001320893.1); c.247T>C, p.Trp83Arg (NM_001375819.1); c.349T>C, p.Trp117Arg (NM_153759.3); c.916T>C, p.Trp306Arg (NM_175629.2); short protein forms W117R, W154R, W306R, W83R.
Identifiers: ClinVar variation 3066131 (VCV003066131.1), dbSNP rs2149307985, ClinGen allele CA346075104.